The following is an entry in ClinVar:

NM_004260.4(RECQL4):c.2068A>T (p.Thr690Ser)

Gene: RECQL4 (RecQ like helicase 4; minus strand). Cytogenetic location: 8q24.3.
Variant type: single nucleotide variant.
Coding change: c.2068A>T on transcript NM_004260.4 (MANE Select); coding-DNA position 2068, A replaced by T.
Protein change: p.Thr690Ser; replaces threonine 690 with serine.
Molecular consequence: missense variant.
Genome position (GRCh38, 1-based): chr8:144,513,703, T>A on the plus strand (A>T on the coding strand, the complement: RECQL4 is on the minus strand). VCF-style: chr8-144513703-T-A. GRCh37 (hg19) VCF-style: chr8-145739087-T-A.
Other names: short protein forms T690S.
Identifiers: ClinVar variation 459372 (VCV000459372.7), dbSNP rs1246782381, ClinGen allele CA372680084.

ClinVar aggregate classification (germline): Uncertain significance (1 of 4 stars; one submission).

Conditions:
Baller-Gerold syndrome (BGS). Also called: CRANIOSYNOSTOSIS WITH RADIAL DEFECTS. Identifiers: Orphanet 1225, MedGen C0265308, MONDO:0009039, OMIM 218600.

Allele frequency attached by ClinVar (database versions not stated): gnomAD exomes below 0.00001; TOPMed below 0.00001; gnomAD 0.00001.

Submission:

Labcorp Genetics (formerly Invitae), Labcorp
Classification: Uncertain significance for Baller-Gerold syndrome. Last evaluated: 2024-04-15. Review status: criteria provided, single submitter. Criteria: Invitae Variant Classification Sherloc (09022015). Collection method: clinical testing. Allele origin: germline.
Comment: This sequence change replaces threonine, which is neutral and polar, with serine, which is neutral and polar, at codon 690 of the RECQL4 protein (p.Thr690Ser). This variant is not present in population databases (gnomAD no frequency). This variant has not been reported in the literature in individuals affected with RECQL4-related conditions. ClinVar contains an entry for this variant (Variation ID: 459372). Advanced modeling of protein sequence and biophysical properties (such as structural, functional, and spatial information, amino acid conservation, physicochemical variation, residue mobility, and thermodynamic stability) performed at Invitae indicates that this missense variant is not expected to disrupt RECQL4 protein function with a negative predictive value of 80%. In summary, the available evidence is currently insufficient to determine the role of this variant in disease. Therefore, it has been classified as a Variant of Uncertain Significance.